The following is an entry in ClinVar:

ClinVar aggregate classification (germline): Uncertain significance. Review status: criteria provided, multiple submitters, no conflicts (2 of 4 stars). 2 submissions from 2 submitters: Uncertain significance (2). Last evaluated 2025-12-30.

Conditions:
Inborn genetic diseases. Identifiers: MedGen C0950123, MeSH D030342.

Allele frequency attached by ClinVar (database versions not stated): gnomAD exomes below 0.00001; ExAC 0.00001; gnomAD 0.00001.
gnomAD v4.1: 4 of 1,614,102 alleles (0.00025%); highest among the groups gnomAD compares: Non-Finnish European, 0.00034%; no homozygotes.

Submissions (2):

Labcorp Genetics (formerly Invitae), Labcorp
Classification: Uncertain significance. Last evaluated: 2025-12-30. Review status: criteria provided, single submitter. Criteria: Invitae Variant Classification Sherloc (09022015). Collection method: clinical testing. Allele origin: germline.
Comment: This sequence change replaces glycine, which is neutral and non-polar, with serine, which is neutral and polar, at codon 196 of the COL9A2 protein (p.Gly196Ser). This variant is present in population databases (rs753088253, gnomAD 0.002%). This variant has not been reported in the literature in individuals affected with COL9A2-related conditions. ClinVar contains an entry for this variant (Variation ID: 1476740). An algorithm developed to predict the effect of missense changes on protein structure and function (PolyPhen-2) suggests that this variant is likely to be disruptive. In summary, the available evidence is currently insufficient to determine the role of this variant in disease. Therefore, it has been classified as a Variant of Uncertain Significance.

Ambry Genetics
Classification: Uncertain significance for Inborn genetic diseases. Last evaluated: 2025-08-27. Review status: criteria provided, single submitter. Criteria: Ambry Variant Classification Scheme 2023. Collection method: clinical testing. Allele origin: germline.

NM_001852.4(COL9A2):c.586G>A (p.Gly196Ser)

Gene: COL9A2 (collagen type IX alpha 2 chain; minus strand). Cytogenetic location: 1p34.2.
Variant type: single nucleotide variant.
Coding change: c.586G>A on transcript NM_001852.4 (MANE Select); coding-DNA position 586, G replaced by A.
Protein change: p.Gly196Ser; replaces glycine 196 with serine.
Molecular consequence: missense variant.
Genome position (GRCh38, 1-based): chr1:40,311,137, C>T on the plus strand (G>A on the coding strand, the complement: COL9A2 is on the minus strand). VCF-style: chr1-40311137-C-T. GRCh37 (hg19) VCF-style: chr1-40776809-C-T.
Other names: c.586G>A (NM_001852.3); short protein forms G196S.
Identifiers: ClinVar variation 1476740 (VCV001476740.7), dbSNP rs753088253, ClinGen allele CA791841.